The following is an entry in ClinVar:

ClinVar aggregate classification (germline): Likely benign. Review status: criteria provided, multiple submitters, no conflicts (2 of 4 stars). 5 submissions from 5 submitters: Likely benign (4). 1 of the submissions does not count toward it. Last evaluated 2026-01-13.

Conditions:
Fanconi anemia (FA). Also called: Fanconi's anemia. Identifiers: Orphanet 84, MedGen C0015625, MeSH D005199, MONDO:0019391.
FANCA-related disorder. Also called: FANCA-related condition.
Inborn genetic diseases. Identifiers: MedGen C0950123, MeSH D030342.

Allele frequency attached by ClinVar (database versions not stated): ExAC 0.00002; gnomAD 0.00003 and 0.00004; gnomAD exomes 0.00003; TOPMed 0.00005; ESP Exome Variant Server 0.00008.
gnomAD v4.1: 71 of 1,614,034 alleles (0.0044%); highest among the groups gnomAD compares: Non-Finnish European, 0.0057%; no homozygotes.

Submissions (5):

Labcorp Genetics (formerly Invitae), Labcorp
Classification: Likely benign for Fanconi anemia. Last evaluated: 2026-01-13. Review status: criteria provided, single submitter. Criteria: Invitae Variant Classification Sherloc (09022015). Collection method: clinical testing. Allele origin: germline.

Ambry Genetics
Classification: Likely benign for Inborn genetic diseases. Last evaluated: 2024-11-25. Review status: criteria provided, single submitter. Criteria: Ambry Variant Classification Scheme 2023. Collection method: clinical testing. Allele origin: germline.

Blueprint Genetics
Classification: Likely benign. Last evaluated: 2022-08-09. Review status: criteria provided, single submitter. Criteria: ACMG Guidelines, 2015. Collection method: clinical testing. Allele origin: germline.

CeGaT Center for Human Genetics Tuebingen
Classification: Likely benign. Last evaluated: 2022-05-01. Review status: criteria provided, single submitter. Criteria: CeGaT Center For Human Genetics Tuebingen Variant Classification Criteria Version 2. Collection method: clinical testing. Allele origin: germline. Affected: yes. Observed: 1 variant allele.
Comment: FANCA: BP4, BP7

PreventionGenetics, part of Exact Sciences
Classification: Likely benign for FANCA-related condition. Last evaluated: 2023-12-14. Review status: no assertion criteria provided. Collection method: clinical testing. Allele origin: germline. Not counted in ClinVar's aggregate classification.
Comment: This variant is classified as likely benign based on ACMG/AMP sequence variant interpretation guidelines (Richards et al. 2015 PMID: 25741868, with internal and published modifications).

NM_000135.4(FANCA):c.3693C>T (p.His1231=)

Gene: FANCA (FA complementation group A; minus strand). Cytogenetic location: 16q24.3.
Variant type: single nucleotide variant.
Coding change: c.3693C>T on transcript NM_000135.4 (MANE Select); coding-DNA position 3693, C replaced by T.
Protein change: p.His1231=; no amino-acid change (histidine 1231 retained).
Molecular consequence: synonymous variant.
Genome position (GRCh38, 1-based): chr16:89,742,872, G>A on the plus strand (C>T on the coding strand, the complement: FANCA is on the minus strand). VCF-style: chr16-89742872-G-A. GRCh37 (hg19) VCF-style: chr16-89809280-G-A.
Other names: c.3693C>T, p.His1231= (NM_001286167.3).
Identifiers: ClinVar variation 697899 (VCV000697899.44), dbSNP rs144524132, ClinGen allele CA8251021.